The following is an entry in ClinVar:

NM_015506.3(MMACHC):c.*1585G>C

Gene: MMACHC (metabolism of cobalamin associated C; plus strand). Cytogenetic location: 1p34.1.
Variant type: single nucleotide variant.
Coding change: c.*1585G>C on transcript NM_015506.3 (MANE Select); 1585 bases downstream of the stop codon, G replaced by C.
Molecular consequence: 3 prime UTR variant.
Genome position (GRCh38, 1-based): chr1:45,510,800, G>C. VCF-style: chr1-45510800-G-C. GRCh37 (hg19) VCF-style: chr1-45976472-G-C.
Other names: c.*1585G>C (NM_001330540.2).
Identifiers: ClinVar variation 297526 (VCV000297526.6), dbSNP rs7903, ClinGen allele CA10611174.

ClinVar aggregate classification (germline): Benign. Review status: criteria provided, multiple submitters, no conflicts (2 of 4 stars). 2 submissions from 2 submitters: Benign (2). Last evaluated 2018-01-13.

Conditions:
Disorders of Intracellular Cobalamin Metabolism. Identifiers: MedGen CN043592.

Allele frequency attached by ClinVar (database versions not stated): gnomAD 0.43401 and 0.43892; TOPMed 0.43513; gnomAD exomes 0.46875; 1000 Genomes Project 30x 0.47736; 1000 Genomes Project 0.48043.

Submissions (2):

Illumina Laboratory Services, Illumina
Classification: Benign for Disorders of Intracellular Cobalamin Metabolism. Last evaluated: 2018-01-13. Review status: criteria provided, single submitter. Criteria: ICSL Variant Classification Criteria 13 December 2019. Collection method: clinical testing. Allele origin: germline.
Comment: This variant was observed in the ICSL laboratory as part of a predisposition screen in an ostensibly healthy population. It had not been previously curated by ICSL or reported in the Human Gene Mutation Database (HGMD: prior to June 1st, 2018), and was therefore a candidate for classification through an automated scoring system. Utilizing variant allele frequency, disease prevalence and penetrance estimates, and inheritance mode, an automated score was calculated to assess if this variant is too frequent to cause the disease. Based on the score and internal cut-off values, a variant classified as benign is not then subjected to further curation. The score for this variant resulted in a classification of benign for this disease.

Breakthrough Genomics
Classification: Benign. Review status: criteria provided, single submitter. Criteria: ACMG Guidelines, 2015. Collection method: not provided. Allele origin: germline. Inheritance: Autosomal recessive inheritance. Affected: yes.